The following is an entry in ClinVar:

NM_001267550.2(TTN):c.102646G>T (p.Gly34216Cys)

Genes: TTN (titin; minus strand), TTN-AS1 (TTN antisense RNA 1; plus strand). Cytogenetic location: 2q31.2.
Variant type: single nucleotide variant.
Coding change: c.102646G>T on transcript NM_001267550.2 (MANE Select); coding-DNA position 102646, G replaced by T.
Protein change: p.Gly34216Cys; replaces glycine 34216 with cysteine.
Molecular consequence: missense variant.
Genome position (GRCh38, 1-based): chr2:178,533,969, C>A on the plus strand (G>T on the coding strand, the complement: TTN is on the minus strand). VCF-style: chr2-178533969-C-A. GRCh37 (hg19) VCF-style: chr2-179398696-C-A.
Other names: c.97723G>T, p.Gly32575Cys (NM_001256850.1); c.75451G>T, p.Gly25151Cys (NM_003319.4); c.94942G>T, p.Gly31648Cys (NM_133378.4); c.75826G>T, p.Gly25276Cys (NM_133432.3); c.76027G>T, p.Gly25343Cys (NM_133437.4); short protein forms G25343C, G31648C, G25276C, G34216C, G25151C, G32575C.
Identifiers: ClinVar variation 2045719 (VCV002045719.4), dbSNP rs1332571612, ClinGen allele CA349417071.

ClinVar aggregate classification (germline): Uncertain significance (1 of 4 stars; one submission).

Conditions:
Dilated cardiomyopathy 1G (CMD1G). Identifiers: Orphanet 154, MedGen C1858763, MONDO:0011400, OMIM 604145.
Autosomal recessive limb-girdle muscular dystrophy type 2J (LGMDR10). Also called: Limb-girdle muscular dystrophy, type 2J; MUSCULAR DYSTROPHY, LIMB-GIRDLE, AUTOSOMAL RECESSIVE 10. Identifiers: Orphanet 140922, MedGen C1837342, MONDO:0012127, OMIM 608807.

Submission:

Labcorp Genetics (formerly Invitae), Labcorp
Classification: Uncertain significance for Dilated cardiomyopathy 1G; Autosomal recessive limb-girdle muscular dystrophy type 2J. Last evaluated: 2021-12-17. Review status: criteria provided, single submitter. Criteria: Invitae Variant Classification Sherloc (09022015). Collection method: clinical testing. Allele origin: germline.
Comment: In summary, the available evidence is currently insufficient to determine the role of this variant in disease. Therefore, it has been classified as a Variant of Uncertain Significance. This variant is located in the M band of TTN (PMID: 25589632). Variants in this region may be relevant for neuromuscular disorders, but have not been definitively shown to cause cardiomyopathy (PMID: 23975875). Experimental studies and prediction algorithms are not available or were not evaluated, and the functional significance of this variant is currently unknown. This variant has not been reported in the literature in individuals affected with TTN-related conditions. This variant is not present in population databases (gnomAD no frequency). This sequence change replaces glycine, which is neutral and non-polar, with cysteine, which is neutral and slightly polar, at codon 34216 of the TTN protein (p.Gly34216Cys).

Literature cited by the submitters: PubMed 25589632; PubMed 23975875.